The following is an entry in ClinVar:

ClinVar aggregate classification (germline): Pathogenic (1 of 4 stars; one submission).

Conditions:
Cystic fibrosis (CF). Also called: MUCOVISCIDOSIS. Identifiers: Orphanet 586, MedGen C0010674, MONDO:0009061, OMIM 219700. Disease mechanism: loss of function.

Submission:

Labcorp Genetics (formerly Invitae), Labcorp
Classification: Pathogenic for Cystic fibrosis. Last evaluated: 2022-08-19. Review status: criteria provided, single submitter. Criteria: Invitae Variant Classification Sherloc (09022015). Collection method: clinical testing. Allele origin: germline.
Comment: This variant is a gross deletion of the genomic region encompassing exon(s) 12 of the CFTR gene. This deletion is out-of-frame, and is expected to create a premature termination codon and result in an absent or disrupted protein product. Loss-of-function variants in CFTR are known to be pathogenic (PMID: 1695717, 7691345, 9725922). A similar copy number variant has been observed in individual(s) with cystic fibrosis (PMID: 26708955). For these reasons, this variant has been classified as Pathogenic.

Literature cited by the submitters: PubMed 1695717; PubMed 7691345; PubMed 9725922; PubMed 26708955.

NC_000007.13:g.(?_117227774)_(117227921_?)del

Gene: CFTR (CF transmembrane conductance regulator; plus strand). Cytogenetic location: 7q31.2.
Variant type: Deletion.
Identifiers: ClinVar variation 1457561 (VCV001457561.4).